The following is an entry in ClinVar:

NM_000188.3(HK1):c.116T>C (p.Ile39Thr)

Gene: HK1 (hexokinase 1; plus strand). Cytogenetic location: 10q22.1.
Variant type: single nucleotide variant.
Coding change: c.116T>C on transcript NM_000188.3 (MANE Select); coding-DNA position 116, T replaced by C.
Protein change: p.Ile39Thr; replaces isoleucine 39 with threonine.
Molecular consequence: missense variant.
Genome position (GRCh38, 1-based): chr10:69,343,879, T>C. VCF-style: chr10-69343879-T-C. GRCh37 (hg19) VCF-style: chr10-71103635-T-C.
Other names: c.128T>C, p.Ile43Thr (NM_001322364.2, NM_001358263.1, NM_033497.3 and 1 more transcripts); c.221T>C, p.Ile74Thr (NM_001322365.2); c.32T>C, p.Ile11Thr (NM_001322366.1); c.116T>C, p.Ile39Thr (NM_001322367.1); c.113T>C, p.Ile38Thr (NM_033496.3); c.80T>C, p.Ile27Thr (NM_033500.2); short protein forms I27T, I11T, I38T, I43T, I74T, I39T.
Identifiers: ClinVar variation 2123485 (VCV002123485.4), dbSNP rs1848419280, ClinGen allele CA376907435.

ClinVar aggregate classification (germline): Uncertain significance (1 of 4 stars; one submission).

Allele frequency attached by ClinVar (database versions not stated): TOPMed below 0.00001.

Submission:

Labcorp Genetics (formerly Invitae), Labcorp
Classification: Uncertain significance. Last evaluated: 2022-04-09. Review status: criteria provided, single submitter. Criteria: Invitae Variant Classification Sherloc (09022015). Collection method: clinical testing. Allele origin: germline.
Comment: This sequence change replaces isoleucine, which is neutral and non-polar, with threonine, which is neutral and polar, at codon 39 of the HK1 protein (p.Ile39Thr). This variant is not present in population databases (gnomAD no frequency). This variant has not been reported in the literature in individuals affected with HK1-related conditions. Algorithms developed to predict the effect of missense changes on protein structure and function (SIFT, PolyPhen-2, Align-GVGD) all suggest that this variant is likely to be disruptive. In summary, the available evidence is currently insufficient to determine the role of this variant in disease. Therefore, it has been classified as a Variant of Uncertain Significance.